The following is an entry in ClinVar:

NC_000014.8:g.(?_21785835)_(21796806_?)del

Gene: RPGRIP1 (RPGR interacting protein 1; plus strand). Cytogenetic location: 14q11.2.
Variant type: Deletion.
Identifiers: ClinVar variation 2426541 (VCV002426541.4).

ClinVar aggregate classification (germline): Pathogenic (1 of 4 stars; one submission).

Conditions:
Leber congenital amaurosis 6 (LCA6). Identifiers: Orphanet 65, MedGen C1854260, MONDO:0013446, OMIM 613826.
Cone-rod dystrophy 13 (CORD13). Identifiers: Orphanet 1872, MedGen C2750720, MONDO:0011987, OMIM 608194.

Submission:

Labcorp Genetics (formerly Invitae), Labcorp
Classification: Pathogenic for Leber congenital amaurosis 6; Cone-rod dystrophy 13. Last evaluated: 2024-01-08. Review status: criteria provided, single submitter. Criteria: Invitae Variant Classification Sherloc (09022015). Collection method: clinical testing. Allele origin: germline.
Comment: This variant is a gross deletion of the genomic region encompassing exon(s) 10-18 of the RPGRIP1 gene. This deletion is out-of-frame, and is expected to create a premature termination codon and result in an absent or disrupted protein product. Loss-of-function variants in RPGRIP1 are known to be pathogenic (PMID: 11528500, 23105016). A similar copy number variant has been observed in individual(s) with Leber congenital amaurosis (PMID: 32865313). For these reasons, this variant has been classified as Pathogenic.

Literature cited by the submitters: PubMed 11528500; PubMed 23105016; PubMed 32865313.